The following is an entry in ClinVar:

NM_024809.5(TCTN2):c.891+1G>A

Gene: TCTN2 (tectonic family member 2; plus strand). Cytogenetic location: 12q24.31.
Variant type: single nucleotide variant.
Coding change: c.891+1G>A on transcript NM_024809.5 (MANE Select); the canonical splice donor site of the intron after coding-DNA position 891, G replaced by A.
Molecular consequence: splice donor variant.
Genome position (GRCh38, 1-based): chr12:123,688,178, G>A. VCF-style: chr12-123688178-G-A. GRCh37 (hg19) VCF-style: chr12-124172725-G-A.
Other names: c.891+1G>A (NM_001410989.1); c.888+1G>A (NM_001143850.3).
Identifiers: ClinVar variation 2934193 (VCV002934193.3), dbSNP rs2541775874, ClinGen allele CA387137724.

ClinVar aggregate classification (germline): Likely pathogenic (1 of 4 stars; one submission).

Conditions:
Joubert syndrome. Also called: CEREBELLOPARENCHYMAL DISORDER IV; JOUBERT-BOLTSHAUSER SYNDROME; Familial aplasia of the vermis. Identifiers: Orphanet 475, MedGen C5979921, MONDO:0018772.
Meckel-Gruber syndrome. Also called: DYSENCEPHALIA SPLANCHNOCYSTICA; GRUBER SYNDROME; Dysencephalia splachnocystica. Identifiers: Orphanet 564, MedGen C0265215, MONDO:0018921.

Allele frequency attached by ClinVar (database versions not stated): gnomAD exomes below 0.00001.
gnomAD v4.1: 1 of 1,610,486 alleles (0.000062%); highest among the groups gnomAD compares: East Asian, 0.0022%; no homozygotes.

Submission:

Labcorp Genetics (formerly Invitae), Labcorp
Classification: Likely pathogenic for Joubert syndrome; Meckel-Gruber syndrome. Last evaluated: 2023-09-08. Review status: criteria provided, single submitter. Criteria: Invitae Variant Classification Sherloc (09022015). Collection method: clinical testing. Allele origin: germline.
Comment: This variant has not been reported in the literature in individuals affected with TCTN2-related conditions. Algorithms developed to predict the effect of sequence changes on RNA splicing suggest that this variant may disrupt the consensus splice site. In summary, the currently available evidence indicates that the variant is pathogenic, but additional data are needed to prove that conclusively. Therefore, this variant has been classified as Likely Pathogenic. This variant is not present in population databases (gnomAD no frequency). This sequence change affects a donor splice site in intron 7 of the TCTN2 gene. It is expected to disrupt RNA splicing. Variants that disrupt the donor or acceptor splice site typically lead to a loss of protein function (PMID: 16199547), and loss-of-function variants in TCTN2 are known to be pathogenic (PMID: 21565611).

Literature cited by the submitters: PubMed 16199547; PubMed 21565611.